The following is an entry in ClinVar:

NM_018026.4(PACS1):c.1069G>A (p.Glu357Lys)

Gene: PACS1 (phosphofurin acidic cluster sorting protein 1; plus strand). Cytogenetic location: 11q13.2.
Variant type: single nucleotide variant.
Coding change: c.1069G>A on transcript NM_018026.4 (MANE Select); coding-DNA position 1069, G replaced by A.
Protein change: p.Glu357Lys; replaces glutamic acid 357 with lysine.
Molecular consequence: missense variant.
Genome position (GRCh38, 1-based): chr11:66,220,661, G>A. VCF-style: chr11-66220661-G-A. GRCh37 (hg19) VCF-style: chr11-65988132-G-A.
Other names: short protein forms E357K.
Identifiers: ClinVar variation 684554 (VCV000684554.10), dbSNP rs750459659, ClinGen allele CA6116477.
Genomic context (GRCh38, chr11:66,220,661, plus strand): 5'-CTAAATTCAGAGACTCCTTTTTCCCTGCAGGTGGGCTTTGGGCTGGAGCATGTGTCCCGC[G>A]AGCAGATCCGGGAAGTGGAAGAGGACTTGGATGAATTGTATGACAGTCTGGAGATGTACA-3'
Protein context (NP_060496.2, residues 347-367): VGFGLEHVSR[Glu357Lys]QIREVEEDLD

ClinVar aggregate classification (germline): Likely benign. Review status: criteria provided, single submitter (1 of 4 stars). 2 submissions from 2 submitters: Likely benign (1). 1 of the submissions does not count toward it. Last evaluated 2025-11-10.

Conditions:
Aganglionic megacolon (HSCR). Also called: Hirschsprung's disease; Hirschsprung disease. Identifiers: Orphanet 388, MedGen C0019569, MeSH D006627, MONDO:0018309, HP:0002251.
Schuurs-Hoeijmakers syndrome. Also called: PACS1-Related Neurodevelopmental Disorder. Identifiers: Orphanet 329224, MedGen C3554343, MONDO:0014006, OMIM 615009.

Allele frequency attached by ClinVar (database versions not stated): ExAC 0.00003; gnomAD 0.00003 and 0.00004; TOPMed 0.00004; gnomAD exomes 0.00004.

Submissions (2):

Labcorp Genetics (formerly Invitae), Labcorp
Classification: Likely benign for Schuurs-Hoeijmakers syndrome. Last evaluated: 2025-11-10. Review status: criteria provided, single submitter. Criteria: Invitae Variant Classification Sherloc (09022015). Collection method: clinical testing. Allele origin: germline.

Clinical Genetics, Erasmus University Medical Center
Classification: Uncertain significance for Hirschsprung Disease. Last evaluated: 2019-05-16. Review status: no assertion criteria provided. Collection method: clinical testing. Allele origin: germline. Affected: yes. Not counted in ClinVar's aggregate classification.